The following is an entry in ClinVar:

NM_033004.4(NLRP1):c.1022C>T (p.Ser341Leu)

Gene: NLRP1 (NLR family pyrin domain containing 1; minus strand). Cytogenetic location: 17p13.2.
Variant type: single nucleotide variant.
Coding change: c.1022C>T on transcript NM_033004.4 (MANE Select); coding-DNA position 1022, C replaced by T.
Protein change: p.Ser341Leu; replaces serine 341 with leucine.
Molecular consequence: missense variant.
Genome position (GRCh38, 1-based): chr17:5,559,674, G>A on the plus strand (C>T on the coding strand, the complement: NLRP1 is on the minus strand). VCF-style: chr17-5559674-G-A. GRCh37 (hg19) VCF-style: chr17-5462994-G-A.
Other names: c.1022C>T, p.Ser341Leu (NM_033006.4, NM_033007.4, NM_001033053.3 and 1 more transcripts); short protein forms S341L.
Identifiers: ClinVar variation 2834599 (VCV002834599.3), dbSNP rs1914507579, ClinGen allele CA397387261.
Genomic context (GRCh38, chr17:5,559,674, plus strand): 5'-AAGCGGTCCCCATACAGCTGGCCTCTCCCCCAGGCTTCCTTCACCTGCCTGGCCAGTGTT[G>A]ACTTCCCAATTCCAGCAGCCCCCTGCAGTATGACTATGCGAGGTTCTTGGGTATCCAGGC-3'
Protein context (NP_127497.1, residues 331-351): ILQGAAGIGK[Ser341Leu]TLARQVKEAW

ClinVar aggregate classification (germline): Uncertain significance (1 of 4 stars; one submission).

Submission:

Labcorp Genetics (formerly Invitae), Labcorp
Classification: Uncertain significance. Last evaluated: 2023-04-12. Review status: criteria provided, single submitter. Criteria: Invitae Variant Classification Sherloc (09022015). Collection method: clinical testing. Allele origin: germline.
Comment: In summary, the available evidence is currently insufficient to determine the role of this variant in disease. Therefore, it has been classified as a Variant of Uncertain Significance. An algorithm developed to predict the effect of missense changes on protein structure and function (PolyPhen-2) suggests that this variant is likely to be disruptive. This variant has not been reported in the literature in individuals affected with NLRP1-related conditions. This variant is not present in population databases (gnomAD no frequency). This sequence change replaces serine, which is neutral and polar, with leucine, which is neutral and non-polar, at codon 341 of the NLRP1 protein (p.Ser341Leu).